The following is an entry in ClinVar:

NM_032608.7(MYO18B):c.6949G>A (p.Ala2317Thr)

Gene: MYO18B (myosin XVIIIB; plus strand). Cytogenetic location: 22q12.1.
Variant type: single nucleotide variant.
Coding change: c.6949G>A on transcript NM_032608.7 (MANE Select); coding-DNA position 6949, G replaced by A.
Protein change: p.Ala2317Thr; replaces alanine 2317 with threonine.
Molecular consequence: missense variant.
Genome position (GRCh38, 1-based): chr22:26,026,923, G>A. VCF-style: chr22-26026923-G-A. GRCh37 (hg19) VCF-style: chr22-26422889-G-A.
Other names: c.6952G>A, p.Ala2318Thr (NM_001318245.2); short protein forms A2317T, A2318T.
Identifiers: ClinVar variation 1494724 (VCV001494724.5), dbSNP rs187337528, ClinGen allele CA10161655.

ClinVar aggregate classification (germline): Uncertain significance (1 of 4 stars; one submission).

Allele frequency attached by ClinVar (database versions not stated): gnomAD 0.00001; gnomAD exomes 0.00002 and 0.00003; ExAC 0.00003; 1000 Genomes Project 30x 0.00016; 1000 Genomes Project 0.00020.
gnomAD v4.1: 31 of 1,612,236 alleles (0.0019%); highest among the groups gnomAD compares: South Asian, 0.018%; no homozygotes.

Submission:

Labcorp Genetics (formerly Invitae), Labcorp
Classification: Uncertain significance. Last evaluated: 2024-02-24. Review status: criteria provided, single submitter. Criteria: Invitae Variant Classification Sherloc (09022015). Collection method: clinical testing. Allele origin: germline.
Comment: This sequence change replaces alanine with threonine at codon 2317 of the MYO18B protein (p.Ala2317Thr). The alanine residue is weakly conserved and there is a small physicochemical difference between alanine and threonine. This variant is present in population databases (rs187337528, gnomAD 0.02%). This variant has not been reported in the literature in individuals affected with MYO18B-related conditions. ClinVar contains an entry for this variant (Variation ID: 1494724). Algorithms developed to predict the effect of missense changes on protein structure and function output the following: SIFT: "Not Available"; PolyPhen-2: "Benign"; Align-GVGD: "Not Available". The threonine amino acid residue is found in multiple mammalian species, which suggests that this missense change does not adversely affect protein function. In summary, the available evidence is currently insufficient to determine the role of this variant in disease. Therefore, it has been classified as a Variant of Uncertain Significance.